The following is an entry in ClinVar:

ClinVar aggregate classification (germline): Uncertain significance (1 of 4 stars; one submission).

Conditions:
Curry-Hall syndrome (WAD). Also called: WEYERS ACRODENTAL DYSOSTOSIS. Identifiers: Orphanet 952, MedGen C0457013, MONDO:0008673, OMIM 193530.
Ellis-van Creveld syndrome (EVC). Also called: EVC-Related Ellis-van Creveld Syndrome; EVC2-Related Ellis-van Creveld Syndrome; MESOECTODERMAL DYSPLASIA; Chondroectodermal dysplasia. Identifiers: Orphanet 289, MedGen C0013903, MONDO:0009162, OMIM 225500.

Submission:

Labcorp Genetics (formerly Invitae), Labcorp
Classification: Uncertain significance for Curry-Hall syndrome; Ellis-van Creveld syndrome. Last evaluated: 2022-12-09. Review status: criteria provided, single submitter. Criteria: Invitae Variant Classification Sherloc (09022015). Collection method: clinical testing. Allele origin: germline.
Comment: This variant is present in population databases (no rsID available, gnomAD 0.005%). This sequence change replaces glycine, which is neutral and non-polar, with cysteine, which is neutral and slightly polar, at codon 17 of the EVC2 protein (p.Gly17Cys). This variant has not been reported in the literature in individuals affected with EVC2-related conditions. In summary, the available evidence is currently insufficient to determine the role of this variant in disease. Therefore, it has been classified as a Variant of Uncertain Significance. Algorithms developed to predict the effect of missense changes on protein structure and function (SIFT, PolyPhen-2, Align-GVGD) all suggest that this variant is likely to be tolerated.

NM_147127.5(EVC2):c.49G>T (p.Gly17Cys)

Gene: EVC2 (EvC ciliary complex subunit 2; minus strand). Cytogenetic location: 4p16.2.
Variant type: single nucleotide variant.
Coding change: c.49G>T on transcript NM_147127.5 (MANE Select); coding-DNA position 49, G replaced by T.
Protein change: p.Gly17Cys; replaces glycine 17 with cysteine.
Molecular consequence: missense variant. On other transcripts: intron variant (1).
Genome position (GRCh38, 1-based): chr4:5,708,465, C>A on the plus strand (G>T on the coding strand, the complement: EVC2 is on the minus strand). VCF-style: chr4-5708465-C-A. GRCh37 (hg19) VCF-style: chr4-5710192-C-A.
Other names: c.-13+364G>T (NM_001166136.2); short protein forms G17C.
Identifiers: ClinVar variation 2945789 (VCV002945789.3), dbSNP rs1312959424, ClinGen allele CA356155449.